The following is an entry in ClinVar:

NM_001128148.3(TFRC):c.2032G>A (p.Val678Ile)

Gene: TFRC (transferrin receptor; minus strand). Cytogenetic location: 3q29.
Variant type: single nucleotide variant.
Coding change: c.2032G>A on transcript NM_001128148.3 (MANE Select); coding-DNA position 2032, G replaced by A.
Protein change: p.Val678Ile; replaces valine 678 with isoleucine.
Molecular consequence: missense variant.
Genome position (GRCh38, 1-based): chr3:196,053,426, C>T on the plus strand (G>A on the coding strand, the complement: TFRC is on the minus strand). VCF-style: chr3-196053426-C-T. GRCh37 (hg19) VCF-style: chr3-195780297-C-T.
Other names: c.1789G>A, p.Val597Ile (NM_001313965.2); c.1186G>A, p.Val396Ile (NM_001313966.2); c.2032G>A, p.Val678Ile (NM_003234.4); short protein forms V396I, V597I, V678I.
Identifiers: ClinVar variation 1930043 (VCV001930043.5), dbSNP rs144481270, ClinGen allele CA2777739.

ClinVar aggregate classification (germline): Uncertain significance (1 of 4 stars; one submission).

Allele frequency attached by ClinVar (database versions not stated): ExAC 0.00001; gnomAD 0.00001; gnomAD exomes 0.00001; TOPMed 0.00001; ESP Exome Variant Server 0.00015.
gnomAD v4.1: 19 of 1,614,062 alleles (0.0012%); highest among the groups gnomAD compares: Non-Finnish European, 0.0015%; no homozygotes.

Submission:

Labcorp Genetics (formerly Invitae), Labcorp
Classification: Uncertain significance. Last evaluated: 2025-06-30. Review status: criteria provided, single submitter. Criteria: Invitae Variant Classification Sherloc (09022015). Collection method: clinical testing. Allele origin: germline.
Comment: This sequence change replaces valine, which is neutral and non-polar, with isoleucine, which is neutral and non-polar, at codon 678 of the TFRC protein (p.Val678Ile). This variant is present in population databases (rs144481270, gnomAD 0.0009%). This variant has not been reported in the literature in individuals affected with TFRC-related conditions. ClinVar contains an entry for this variant (Variation ID: 1930043). An algorithm developed to predict the effect of missense changes on protein structure and function outputs the following: PolyPhen-2: "Benign". The isoleucine amino acid residue is found in multiple mammalian species, which suggests that this missense change does not adversely affect protein function. In summary, the available evidence is currently insufficient to determine the role of this variant in disease. Therefore, it has been classified as a Variant of Uncertain Significance.